The following is an entry in ClinVar:

NM_000465.4(BARD1):c.467A>G (p.Tyr156Cys)

Gene: BARD1 (BRCA1 associated RING domain 1; minus strand). Cytogenetic location: 2q35.
Variant type: single nucleotide variant.
Coding change: c.467A>G on transcript NM_000465.4 (MANE Select); coding-DNA position 467, A replaced by G.
Protein change: p.Tyr156Cys; replaces tyrosine 156 with cysteine.
Molecular consequence: missense variant. On other transcripts: non-coding transcript variant (2), intron variant (3).
Genome position (GRCh38, 1-based): chr2:214,781,407, T>C on the plus strand (A>G on the coding strand, the complement: BARD1 is on the minus strand). VCF-style: chr2-214781407-T-C. GRCh37 (hg19) VCF-style: chr2-215646131-T-C.
Other names: c.410A>G, p.Tyr137Cys (NM_001282543.2); c.158+28005A>G (NM_001282548.2); c.215+15654A>G (NM_001282545.2); c.364+10890A>G (NM_001282549.2); short protein forms Y137C, Y156C.
Identifiers: ClinVar variation 1718520 (VCV001718520.5), dbSNP rs2469513049, ClinGen allele CA350457611.

ClinVar aggregate classification (germline): Uncertain significance (1 of 4 stars; one submission).

Conditions:
Familial cancer of breast. Also called: BREAST CANCER, FAMILIAL; hereditary breast carcinoma; Hereditary breast cancer. Identifiers: Orphanet 227535, MedGen C0346153, MONDO:0016419, OMIM 114480. Disease mechanism: loss of function.

Submission:

Labcorp Genetics (formerly Invitae), Labcorp
Classification: Uncertain significance for Familial cancer of breast. Last evaluated: 2022-08-31. Review status: criteria provided, single submitter. Criteria: Invitae Variant Classification Sherloc (09022015). Collection method: clinical testing. Allele origin: germline.
Comment: In summary, the available evidence is currently insufficient to determine the role of this variant in disease. Therefore, it has been classified as a Variant of Uncertain Significance. Algorithms developed to predict the effect of missense changes on protein structure and function output the following: SIFT: "Tolerated"; PolyPhen-2: "Benign"; Align-GVGD: "Class C0". The cysteine amino acid residue is found in multiple mammalian species, which suggests that this missense change does not adversely affect protein function. This variant has not been reported in the literature in individuals affected with BARD1-related conditions. This variant is not present in population databases (gnomAD no frequency). This sequence change replaces tyrosine, which is neutral and polar, with cysteine, which is neutral and slightly polar, at codon 156 of the BARD1 protein (p.Tyr156Cys).